The following is an entry in ClinVar:

NM_001301071.2(DOK7):c.1503G>A (p.Ala501=)

Gene: DOK7 (docking protein 7; plus strand). Cytogenetic location: 4p16.3.
Variant type: single nucleotide variant.
Coding change: c.1503G>A on transcript NM_001301071.2; coding-DNA position 1503, G replaced by A.
Protein change: p.Ala501=; no amino-acid change (alanine 501 retained).
Molecular consequence: synonymous variant.
Genome position (GRCh38, 1-based): chr4:3,496,825, G>A. VCF-style: chr4-3496825-G-A. GRCh37 (hg19) VCF-style: chr4-3498552-G-A.
Other names: c.1071G>A, p.Ala357= (NM_001363811.2).
Identifiers: ClinVar variation 4987000 (VCV004987000.1).

ClinVar aggregate classification (germline): Likely benign (1 of 4 stars; one submission).

Conditions:
DOK7-related disorder. Also called: DOK7-related condition.

gnomAD v4.1: 103 of 1,535,862 alleles (0.0067%); highest among the groups gnomAD compares: African/African-American, 0.0096%; no homozygotes.

Submission:

PreventionGenetics, part of Exact Sciences
Classification: Likely benign for DOK7-related condition. Last evaluated: 2025-06-21. Review status: criteria provided, single submitter. Criteria: ACMG Guidelines, 2015. Collection method: clinical testing. Allele origin: germline.
Comment: This variant is classified as likely benign based on ACMG/AMP sequence variant interpretation guidelines (Richards et al. 2015 PMID: 25741868, with internal and published modifications).